The following is an entry in ClinVar:

ClinVar aggregate classification (germline): Uncertain significance (1 of 4 stars; one submission).

Conditions:
Hereditary pheochromocytoma and paraganglioma. Also called: Hereditary paragangliomas and pheochromocytomas; Hereditary pheochromocytoma-paraganglioma; Hereditary Paraganglioma-Pheochromocytoma Syndromes. Identifiers: Orphanet 29072, MedGen C4274332, MONDO:0017366.

gnomAD v4.1: 3 of 1,614,124 alleles (0.00019%); highest among the groups gnomAD compares: Non-Finnish European, 0.00025%; no homozygotes.

Submission:

Labcorp Genetics (formerly Invitae), Labcorp
Classification: Uncertain significance for Hereditary pheochromocytoma and paraganglioma. Last evaluated: 2018-09-06. Review status: criteria provided, single submitter. Criteria: Invitae Variant Classification Sherloc (09022015). Collection method: clinical testing. Allele origin: germline.
Comment: In summary, the available evidence is currently insufficient to determine the role of this variant in disease. Therefore, it has been classified as a Variant of Uncertain Significance. Algorithms developed to predict the effect of sequence changes on RNA splicing suggest that this variant may disrupt the consensus splice site, but this prediction has not been confirmed by published transcriptional studies. This sequence change falls in intron 2 of the TMEM127 gene. It does not directly change the encoded amino acid sequence of the TMEM127 protein. This variant is not present in population databases (ExAC no frequency). This variant has not been reported in the literature in individuals with TMEM127-related disease.

NM_017849.4(TMEM127):c.245-6C>G

Gene: TMEM127 (transmembrane protein 127; minus strand). Cytogenetic location: 2q11.2.
Variant type: single nucleotide variant.
Coding change: c.245-6C>G on transcript NM_017849.4 (MANE Select); 6 bases into the intron before coding-DNA position 245, C replaced by G.
Molecular consequence: intron variant.
Genome position (GRCh38, 1-based): chr2:96,255,003, G>C on the plus strand (C>G on the coding strand, the complement: TMEM127 is on the minus strand). VCF-style: chr2-96255003-G-C. GRCh37 (hg19) VCF-style: chr2-96920741-G-C.
Other names: c.245-6C>G (NM_001193304.3).
Identifiers: ClinVar variation 664787 (VCV000664787.8), dbSNP rs1573970396, ClinGen allele CA915944079.